The following is an entry in ClinVar:

ClinVar aggregate classification (germline): Pathogenic. Review status: criteria provided, single submitter (1 of 4 stars). 2 submissions from 2 submitters: Pathogenic (1). 1 of the submissions does not count toward it. Last evaluated 2025-01-23.

Conditions:
Renal hypodysplasia/aplasia 3 (RHDA3). Identifiers: MedGen C4540497, MONDO:0024520, OMIM 617805.

Submissions (2):

Labcorp Genetics (formerly Invitae), Labcorp
Classification: Pathogenic. Last evaluated: 2025-01-23. Review status: criteria provided, single submitter. Criteria: Invitae Variant Classification Sherloc (09022015). Collection method: clinical testing. Allele origin: germline.
Comment: This sequence change replaces leucine, which is neutral and non-polar, with arginine, which is basic and polar, at codon 1793 of the GREB1L protein (p.Leu1793Arg). This variant is not present in population databases (gnomAD no frequency). This missense change has been observed in individual(s) with renal agenesis (PMID: 28739660). It has also been observed to segregate with disease in related individuals. ClinVar contains an entry for this variant (Variation ID: 453273). An algorithm developed to predict the effect of missense changes on protein structure and function (PolyPhen-2) suggests that this variant is likely to be disruptive. Experimental studies have shown that this missense change affects GREB1L function (PMID: 28739660). For these reasons, this variant has been classified as Pathogenic.

OMIM
Classification: Pathogenic for RENAL HYPODYSPLASIA/APLASIA 3. Last evaluated: 2017-12-18. Review status: no assertion criteria provided. Collection method: literature only. Allele origin: germline. Not counted in ClinVar's aggregate classification.

Literature cited by the submitters: PubMed 28739660 (cited by Labcorp Genetics (formerly Invitae), Labcorp and OMIM).

NM_001142966.3(GREB1L):c.5378T>G (p.Leu1793Arg)

Gene: GREB1L (GREB1 like retinoic acid receptor coactivator; plus strand). Cytogenetic location: 18q11.2.
Variant type: single nucleotide variant.
Coding change: c.5378T>G on transcript NM_001142966.3 (MANE Select); coding-DNA position 5378, T replaced by G.
Protein change: p.Leu1793Arg; replaces leucine 1793 with arginine.
Molecular consequence: missense variant.
Genome position (GRCh38, 1-based): chr18:21,518,140, T>G. VCF-style: chr18-21518140-T-G. GRCh37 (hg19) VCF-style: chr18-19098101-T-G.
Other names: short protein forms L1793R.
Identifiers: ClinVar variation 453273 (VCV000453273.4), dbSNP rs1555664772, ClinGen allele CA401736816.